The following is an entry in ClinVar:

ClinVar aggregate classification (germline): Uncertain significance (1 of 4 stars; one submission).

Allele frequency attached by ClinVar (database versions not stated): ESP Exome Variant Server 0.00015.
gnomAD v4.1: 48 of 1,516,584 alleles (0.0032%); highest among the groups gnomAD compares: African/African-American, 0.0088%; no homozygotes.

Submission:

Labcorp Genetics (formerly Invitae), Labcorp
Classification: Uncertain significance. Last evaluated: 2022-11-18. Review status: criteria provided, single submitter. Criteria: Invitae Variant Classification Sherloc (09022015). Collection method: clinical testing. Allele origin: germline.
Comment: In summary, the available evidence is currently insufficient to determine the role of this variant in disease. Therefore, it has been classified as a Variant of Uncertain Significance. Variants that disrupt the consensus splice site are a relatively common cause of aberrant splicing (PMID: 17576681, 9536098). Algorithms developed to predict the effect of sequence changes on RNA splicing suggest that this variant may disrupt the consensus splice site. This variant has not been reported in the literature in individuals affected with LSR-related conditions. This variant is present in population databases (rs370139211, gnomAD 0.01%). This sequence change falls in intron 4 of the LSR gene. It does not directly change the encoded amino acid sequence of the LSR protein. It affects a nucleotide within the consensus splice site.

Literature cited by the submitters: PubMed 17576681; PubMed 9536098.

NM_205834.4(LSR):c.631+5G>A

Gene: LSR (lipolysis stimulated lipoprotein receptor; plus strand). Cytogenetic location: 19q13.12.
Variant type: single nucleotide variant.
Coding change: c.631+5G>A on transcript NM_205834.4 (MANE Select); 5 bases into the intron after coding-DNA position 631, G replaced by A.
Molecular consequence: intron variant.
Genome position (GRCh38, 1-based): chr19:35,261,986, G>A. VCF-style: chr19-35261986-G-A. GRCh37 (hg19) VCF-style: chr19-35752889-G-A.
Other names: c.575-560G>A (NM_015925.7, NM_001260489.2); c.574+2922G>A (NM_205835.4, NM_001385215.1); c.455-4373G>A (NM_001260490.2).
Identifiers: ClinVar variation 2161291 (VCV002161291.4), dbSNP rs370139211, ClinGen allele CA9374776.